The following is an entry in ClinVar:

ClinVar aggregate classification (germline): Uncertain significance (1 of 4 stars; one submission).

Conditions:
Senior-Loken syndrome 7 (SLSN7). Identifiers: Orphanet 3156, MedGen C3150877, MONDO:0013326, OMIM 613615.
Bardet-Biedl syndrome 16 (BBS16). Identifiers: Orphanet 110, MedGen C3889474, MONDO:0014444, OMIM 615993.

Submission:

Labcorp Genetics (formerly Invitae), Labcorp
Classification: Uncertain significance for Bardet-Biedl syndrome 16; Senior-Loken syndrome 7. Last evaluated: 2023-10-03. Review status: criteria provided, single submitter. Criteria: Invitae Variant Classification Sherloc (09022015). Collection method: clinical testing. Allele origin: germline.
Comment: This sequence change replaces aspartic acid, which is acidic and polar, with asparagine, which is neutral and polar, at codon 391 of the SDCCAG8 protein (p.Asp391Asn). This variant is not present in population databases (gnomAD no frequency). This variant has not been reported in the literature in individuals affected with SDCCAG8-related conditions. ClinVar contains an entry for this variant (Variation ID: 1470955). Advanced modeling of protein sequence and biophysical properties (such as structural, functional, and spatial information, amino acid conservation, physicochemical variation, residue mobility, and thermodynamic stability) performed at Invitae indicates that this missense variant is not expected to disrupt SDCCAG8 protein function. In summary, the available evidence is currently insufficient to determine the role of this variant in disease. Therefore, it has been classified as a Variant of Uncertain Significance.

NM_006642.5(SDCCAG8):c.1171G>A (p.Asp391Asn)

Gene: SDCCAG8 (SHH signaling and ciliogenesis regulator SDCCAG8; plus strand). Cytogenetic location: 1q43.
Variant type: single nucleotide variant.
Coding change: c.1171G>A on transcript NM_006642.5 (MANE Select); coding-DNA position 1171, G replaced by A.
Protein change: p.Asp391Asn; replaces aspartic acid 391 with asparagine.
Molecular consequence: missense variant.
Genome position (GRCh38, 1-based): chr1:243,330,642, G>A. VCF-style: chr1-243330642-G-A. GRCh37 (hg19) VCF-style: chr1-243493944-G-A.
Other names: c.268G>A, p.Asp90Asn (NM_001350246.2, NM_001350247.2, NM_001350251.2); c.1267G>A, p.Asp423Asn (NM_001350248.2); c.877G>A, p.Asp293Asn (NM_001350249.2); short protein forms D391N, D423N, D293N, D90N.
Identifiers: ClinVar variation 1470955 (VCV001470955.8), dbSNP rs2149349477, ClinGen allele CA345482693.